The following is an entry in ClinVar:

ClinVar aggregate classification (germline): Uncertain significance. Review status: criteria provided, multiple submitters, no conflicts (2 of 4 stars). 2 submissions from 2 submitters: Uncertain significance (2). Last evaluated 2026-01-19.

Conditions:
Hereditary cancer-predisposing syndrome. Also called: Hereditary Cancer Syndrome; Hereditary neoplastic syndrome; Neoplastic Syndromes, Hereditary; Tumor predisposition. Identifiers: Orphanet 140162, MedGen C0027672, MeSH D009386, MONDO:0015356.
Familial adenomatous polyposis 2. Also called: MUTYH-associated polyposis; MUTYH-related attenuated familial adenomatous polyposis; FAP type 2; Adenomas, multiple colorectal; MYH-associated polyposis; MUTYH Polyposis. Identifiers: Orphanet 220460, Orphanet 247798, MedGen C3272841, MONDO:0012041, OMIM 608456.

Submissions (2):

Labcorp Genetics (formerly Invitae), Labcorp
Classification: Uncertain significance for Familial adenomatous polyposis 2. Last evaluated: 2026-01-19. Review status: criteria provided, single submitter. Criteria: Invitae Variant Classification Sherloc (09022015). Collection method: clinical testing. Allele origin: germline.
Comment: This sequence change replaces threonine, which is neutral and polar, with isoleucine, which is neutral and non-polar, at codon 204 of the MUTYH protein (p.Thr204Ile). This variant is not present in population databases (gnomAD no frequency). This variant has not been reported in the literature in individuals affected with MUTYH-related conditions. ClinVar contains an entry for this variant (Variation ID: 1751721). An algorithm developed to predict the effect of missense changes on protein structure and function (PolyPhen-2) suggests that this variant is likely to be disruptive. In summary, the available evidence is currently insufficient to determine the role of this variant in disease. Therefore, it has been classified as a Variant of Uncertain Significance.

Ambry Genetics
Classification: Uncertain significance for Hereditary cancer-predisposing syndrome. Last evaluated: 2021-06-28. Review status: criteria provided, single submitter. Criteria: Ambry Variant Classification Scheme 2023. Collection method: clinical testing. Allele origin: germline.
Comment: The p.T204I variant (also known as c.611C>T), located in coding exon 8 of the MUTYH gene, results from a C to T substitution at nucleotide position 611. The threonine at codon 204 is replaced by isoleucine, an amino acid with similar properties. This amino acid position is highly conserved in available vertebrate species. In addition, this alteration is predicted to be deleterious by in silico analysis. Since supporting evidence is limited at this time, the clinical significance of this alteration remains unclear.

NM_001048174.2(MUTYH):c.527C>T (p.Thr176Ile)

Gene: MUTYH (mutY DNA glycosylase; minus strand). Cytogenetic location: 1p34.1.
Variant type: single nucleotide variant.
Coding change: c.527C>T on transcript NM_001048174.2 (MANE Select); coding-DNA position 527, C replaced by T.
Protein change: p.Thr176Ile; replaces threonine 176 with isoleucine.
Molecular consequence: missense variant. On other transcripts: non-coding transcript variant (2).
Genome position (GRCh38, 1-based): chr1:45,332,653, G>A on the plus strand (C>T on the coding strand, the complement: MUTYH is on the minus strand). VCF-style: chr1-45332653-G-A. GRCh37 (hg19) VCF-style: chr1-45798325-G-A.
Other names: c.527C>T, p.Thr176Ile (NM_001048171.2, NM_001048173.2, NM_001293195.2 and 6 more transcripts); c.530C>T, p.Thr177Ile (NM_001048172.2, NM_001407071.1, NM_001407078.1 and 1 more transcripts); c.611C>T, p.Thr204Ile (NM_001128425.2); c.572C>T, p.Thr191Ile (NM_001293190.2); c.560C>T, p.Thr187Ile (NM_001293191.2, NM_001407069.1, NM_001407077.1); c.251C>T, p.Thr84Ile (NM_001293192.2, NM_001293196.2, NM_001407091.1); c.182C>T, p.Thr61Ile (NM_001350650.2, NM_001350651.2, NM_001407082.1); c.443C>T, p.Thr148Ile (NM_001407075.1); and 5 more; short protein forms T190I, T201I, T204I, T61I, T162I, T176I, T191I, T177I.
Identifiers: ClinVar variation 1751721 (VCV001751721.3), dbSNP rs2149151950, ClinGen allele CA340135404.